The following is an entry in ClinVar:

NM_022114.4(PRDM16):c.1865G>A (p.Gly622Asp)

Gene: PRDM16 (PR/SET domain 16; plus strand). Cytogenetic location: 1p36.32.
Variant type: single nucleotide variant.
Coding change: c.1865G>A on transcript NM_022114.4 (MANE Select); coding-DNA position 1865, G replaced by A.
Protein change: p.Gly622Asp; replaces glycine 622 with aspartic acid.
Molecular consequence: missense variant.
Genome position (GRCh38, 1-based): chr1:3,412,062, G>A. VCF-style: chr1-3412062-G-A. GRCh37 (hg19) VCF-style: chr1-3328626-G-A.
Other names: c.1865G>A, p.Gly622Asp (NM_199454.3); c.1865G>A (NM_022114.3); short protein forms G622D.
Identifiers: ClinVar variation 2892762 (VCV002892762.4), dbSNP rs1314142023, ClinGen allele CA337999186.

ClinVar aggregate classification (germline): Uncertain significance. Review status: criteria provided, multiple submitters, no conflicts (2 of 4 stars). 2 submissions from 2 submitters: Uncertain significance (2). Last evaluated 2025-02-12.

Conditions:
Inborn genetic diseases. Identifiers: MedGen C0950123, MeSH D030342.
Left ventricular noncompaction 8 (LVNC8). Identifiers: Orphanet 154, Orphanet 54260, MedGen C3809288, MONDO:0014152, OMIM 615373.

Allele frequency attached by ClinVar (database versions not stated): gnomAD 0.00001.
gnomAD v4.1: 2 of 1,608,090 alleles (0.00012%); highest among the groups gnomAD compares: African/African-American, 0.0027%; no homozygotes.

Submissions (2):

Ambry Genetics
Classification: Uncertain significance for Inborn genetic diseases. Last evaluated: 2025-02-12. Review status: criteria provided, single submitter. Criteria: Ambry Variant Classification Scheme 2023. Collection method: clinical testing. Allele origin: germline.

Labcorp Genetics (formerly Invitae), Labcorp
Classification: Uncertain significance for Left ventricular noncompaction 8. Last evaluated: 2023-12-13. Review status: criteria provided, single submitter. Criteria: Invitae Variant Classification Sherloc (09022015). Collection method: clinical testing. Allele origin: germline.
Comment: This sequence change replaces glycine, which is neutral and non-polar, with aspartic acid, which is acidic and polar, at codon 622 of the PRDM16 protein (p.Gly622Asp). This variant is present in population databases (no rsID available, gnomAD 0.008%). This variant has not been reported in the literature in individuals affected with PRDM16-related conditions. An algorithm developed to predict the effect of missense changes on protein structure and function (PolyPhen-2) suggests that this variant is likely to be disruptive. In summary, the available evidence is currently insufficient to determine the role of this variant in disease. Therefore, it has been classified as a Variant of Uncertain Significance.